The following is an entry in ClinVar:

ClinVar aggregate classification (germline): Uncertain significance. Review status: criteria provided, multiple submitters, no conflicts (2 of 4 stars). 2 submissions from 2 submitters: Uncertain significance (2). Last evaluated 2020-08-05.

Conditions:
Cortical dysplasia-focal epilepsy syndrome (PTHSL1). Also called: Pitt-Hopkins-like syndrome 1. Identifiers: Orphanet 163681, Orphanet 221150, MedGen C2750246, MONDO:0012400, OMIM 610042.

Allele frequency attached by ClinVar (database versions not stated): TOPMed below 0.00001.
gnomAD v4.1: 2 of 1,613,536 alleles (0.00012%); highest among the groups gnomAD compares: Non-Finnish European, 0.00017%; no homozygotes.

Submissions (2):

Labcorp Genetics (formerly Invitae), Labcorp
Classification: Uncertain significance for Cortical dysplasia-focal epilepsy syndrome. Last evaluated: 2020-08-05. Review status: criteria provided, single submitter. Criteria: Invitae Variant Classification Sherloc (09022015). Collection method: clinical testing. Allele origin: germline.
Comment: In summary, the available evidence is currently insufficient to determine the role of this variant in disease. Therefore, it has been classified as a Variant of Uncertain Significance. Algorithms developed to predict the effect of missense changes on protein structure and function output the following: SIFT: "Deleterious"; PolyPhen-2: "Benign"; Align-GVGD: "Class C0". The asparagine amino acid residue is found in multiple mammalian species, suggesting that this missense change does not adversely affect protein function. These predictions have not been confirmed by published functional studies and their clinical significance is uncertain. This variant has not been reported in the literature in individuals with CNTNAP2-related conditions. ClinVar contains an entry for this variant (Variation ID: 420402). This variant is not present in population databases (ExAC no frequency). This sequence change replaces serine with asparagine at codon 443 of the CNTNAP2 protein (p.Ser443Asn). The serine residue is weakly conserved and there is a small physicochemical difference between serine and asparagine.

GeneDx
Classification: Uncertain significance. Last evaluated: 2017-06-07. Review status: criteria provided, single submitter. Criteria: GeneDx Variant Classification (06012015). Collection method: clinical testing. Allele origin: germline. Affected: yes.
Comment: A variant of uncertain significance has been identified in the CNTNAP2 gene. The S443N variant has not been published as a pathogenic variant, nor has it been reported as a benign variant to our knowledge. It was not observed in approximately 6,500 individuals of European and African American ancestry in the NHLBI Exome Sequencing Project, indicating it is not a common benign variant in these populations. The S443N variant is a conservative amino acid substitution, which is not likely to impact secondary protein structure as these residues share similar properties. Additionally, this substitution occurs at a position that is not conserved, and missense variants in nearby residues have not been reported in the Human Gene Mutation Database in association with CNTNAP2-related disorders (Stenson et al., 2014). However, in silico analysis is inconsistent in its predictions as to whether or not the variant is damaging to the protein structure/function. Therefore, based on the currently available information, it is unclear whether this variant is a pathogenic variant or a rare benign variant.

NM_014141.6(CNTNAP2):c.1328G>A (p.Ser443Asn)

Gene: CNTNAP2 (contactin associated protein 2; plus strand). Cytogenetic location: 7q35.
Variant type: single nucleotide variant.
Coding change: c.1328G>A on transcript NM_014141.6 (MANE Select); coding-DNA position 1328, G replaced by A.
Protein change: p.Ser443Asn; replaces serine 443 with asparagine.
Molecular consequence: missense variant.
Genome position (GRCh38, 1-based): chr7:147,132,489, G>A. VCF-style: chr7-147132489-G-A. GRCh37 (hg19) VCF-style: chr7-146829581-G-A.
Other names: short protein forms S443N.
Identifiers: ClinVar variation 420402 (VCV000420402.9), dbSNP rs1064794457, ClinGen allele CA16618377.
Genomic context (GRCh38, chr7:147,132,489, plus strand): 5'-AGATTGACCTCACTGAAAGCAAAGTGGGTGTTCACATCAACATCACACAGACCAAGATGA[G>A]CCAAATCGATATTTCCTCAGGTCAGTGAAACCTATTTGACATTTGTTCCTGAAACTTATT-3'
Protein context (NP_054860.1, residues 433-453): VHINITQTKM[Ser443Asn]QIDISSGSGL